The following is an entry in ClinVar:

ClinVar aggregate classification (germline): Conflicting classifications of pathogenicity. Review status: criteria provided, conflicting classifications (1 of 4 stars). 3 submissions from 3 submitters: Uncertain significance (2); Likely benign (1). Last evaluated 2025-10-26.

Conditions:
Breast-ovarian cancer, familial, susceptibility to, 4. Identifiers: Orphanet 145, MedGen C3280345, MONDO:0013669, OMIM 614291.
Hereditary cancer-predisposing syndrome. Also called: Hereditary neoplastic syndrome; Tumor predisposition; Neoplastic Syndromes, Hereditary; Hereditary Cancer Syndrome. Identifiers: Orphanet 140162, MedGen C0027672, MeSH D009386, MONDO:0015356.

Allele frequency attached by ClinVar (database versions not stated): gnomAD exomes below 0.00001; gnomAD 0.00001; TOPMed 0.00001.
gnomAD v4.1: 1 of 1,612,358 alleles (0.000062%); highest among the groups gnomAD compares: Non-Finnish European, 0.000085%; no homozygotes.

Submissions (3):

Labcorp Genetics (formerly Invitae), Labcorp
Classification: Uncertain significance for Breast-ovarian cancer, familial, susceptibility to, 4. Last evaluated: 2025-10-26. Review status: criteria provided, single submitter. Criteria: Invitae Variant Classification Sherloc (09022015). Collection method: clinical testing. Allele origin: germline.
Comment: This sequence change replaces histidine, which is basic and polar, with arginine, which is basic and polar, at codon 23 of the RAD51D protein (p.His23Arg). This variant is present in population databases (no rsID available, gnomAD 0.0009%). This variant has not been reported in the literature in individuals affected with RAD51D-related conditions. ClinVar contains an entry for this variant (Variation ID: 418673). An algorithm developed to predict the effect of missense changes on protein structure and function (PolyPhen-2) suggests that this variant is likely to be tolerated. In summary, the available evidence is currently insufficient to determine the role of this variant in disease. Therefore, it has been classified as a Variant of Uncertain Significance.

GeneDx
Classification: Uncertain significance. Last evaluated: 2023-10-19. Review status: criteria provided, single submitter. Criteria: GeneDx Variant Classification Process June 2021. Collection method: clinical testing. Allele origin: germline. Affected: yes.
Comment: Not observed at significant frequency in large population cohorts (gnomAD); In silico analysis supports that this missense variant does not alter protein structure/function; Has not been previously published as pathogenic or benign to our knowledge; This variant is associated with the following publications: (PMID: 21111057)

Ambry Genetics
Classification: Likely benign for Hereditary cancer-predisposing syndrome. Last evaluated: 2016-12-22. Review status: criteria provided, single submitter. Criteria: Ambry Variant Classification Scheme 2023. Collection method: clinical testing. Allele origin: germline.

NM_002878.4(RAD51D):c.68A>G (p.His23Arg)

Genes: RAD51D (RAD51 paralog D; minus strand), RAD51L3-RFFL (RAD51L3-RFFL readthrough; minus strand). Cytogenetic location: 17q12.
Variant type: single nucleotide variant.
Coding change: c.68A>G on transcript NM_002878.4 (MANE Select); coding-DNA position 68, A replaced by G.
Protein change: p.His23Arg; replaces histidine 23 with arginine.
Molecular consequence: missense variant. On other transcripts: non-coding transcript variant (2).
Genome position (GRCh38, 1-based): chr17:35,119,546, T>C on the plus strand (A>G on the coding strand, the complement: RAD51D is on the minus strand). VCF-style: chr17-35119546-T-C. GRCh37 (hg19) VCF-style: chr17-33446565-T-C.
Other names: c.68A>G, p.His23Arg (NM_001142571.2, NM_133629.3); short protein forms H23R.
Identifiers: ClinVar variation 418673 (VCV000418673.15), dbSNP rs990062370, ClinGen allele CA16620393.
Genomic context (GRCh38, chr17:35,119,546, plus strand): 5'-TTGTGCGAGGCCCGCGCGGCTCCCTGGCACGCGCACACCCGGTCACCTGTCTTGATCCTG[T>C]GGCTCCTGAGAAGCTGGATCATCTCCTCGGTAAGGCCAGGGCACAGTCCGACCCTGAGCA-3'
Protein context (NP_002869.3, residues 13-33): TEEMIQLLRS[His23Arg]RIKTVVDLVS